The following is an entry in ClinVar:

ClinVar aggregate classification (germline): Uncertain significance. Review status: criteria provided, multiple submitters, no conflicts (2 of 4 stars). 4 submissions from 4 submitters: Uncertain significance (4). Last evaluated 2025-04-28.

Conditions:
Neuropathy, hereditary sensory and autonomic, type 2A (HSAN2A). Also called: ACROOSTEOLYSIS, GIACCAI TYPE; ACROOSTEOLYSIS, NEUROGENIC; MORVAN DISEASE; NEUROPATHY, CONGENITAL SENSORY; NEUROPATHY, HEREDITARY SENSORY RADICULAR, AUTOSOMAL RECESSIVE; NEUROPATHY, HEREDITARY SENSORY, TYPE IIA. Identifiers: Orphanet 970, MedGen C2752089, MONDO:0024309, OMIM 201300.
Neuropathy, hereditary sensory, type 2C. Also called: Hereditary sensory and autonomic neuropathy type IIC; KIF1A-Related HSAN2 (HSAN2C). Identifiers: Orphanet 970, MedGen C3280168, MONDO:0013634, OMIM 614213.
Intellectual disability, autosomal dominant 9 (NESCAVS). Also called: NESCAV SYNDROME; KIF1A-Related Neurodevelopmental Disorder. Identifiers: Orphanet 662367, MedGen C5393830, MONDO:0013656, OMIM 614255.
Hereditary spastic paraplegia 30. Identifiers: Orphanet 101010, MedGen C5235139, MONDO:0012476.

Allele frequency attached by ClinVar (database versions not stated): gnomAD 0.00001; ExAC 0.00002; TOPMed 0.00002; ESP Exome Variant Server 0.00008.
gnomAD v4.1: 43 of 1,586,270 alleles (0.0027%); highest among the groups gnomAD compares: South Asian, 0.0034%; no homozygotes.

Submissions (4):

Labcorp Genetics (formerly Invitae), Labcorp
Classification: Uncertain significance for Hereditary spastic paraplegia 30; Neuropathy, hereditary sensory, type 2C; Intellectual disability, autosomal dominant 9. Last evaluated: 2025-04-28. Review status: criteria provided, single submitter. Criteria: Invitae Variant Classification Sherloc (09022015). Collection method: clinical testing. Allele origin: germline.
Comment: This sequence change replaces arginine, which is basic and polar, with tryptophan, which is neutral and slightly polar, at codon 1123 of the KIF1A protein (p.Arg1123Trp). The frequency data for this variant in the population databases is considered unreliable, as metrics indicate poor data quality at this position in the gnomAD database. This missense change has been observed in individuals with clinical features of KIF1A-related conditions (internal data). ClinVar contains an entry for this variant (Variation ID: 464232). Invitae Evidence Modeling of protein sequence and biophysical properties (such as structural, functional, and spatial information, amino acid conservation, physicochemical variation, residue mobility, and thermodynamic stability) indicates that this missense variant is not expected to disrupt KIF1A protein function with a negative predictive value of 95%. In summary, the available evidence is currently insufficient to determine the role of this variant in disease. Therefore, it has been classified as a Variant of Uncertain Significance.

GeneDx
Classification: Uncertain significance. Last evaluated: 2022-10-19. Review status: criteria provided, single submitter. Criteria: GeneDx Variant Classification Process June 2021. Collection method: clinical testing. Allele origin: germline. Affected: yes.
Comment: In silico analysis supports that this missense variant has a deleterious effect on protein structure/function; Has not been previously published as pathogenic or benign to our knowledge

Fulgent Genetics
Classification: Uncertain significance for Neuropathy, hereditary sensory and autonomic, type 2A; Spastic paraplegia 30A, autosomal dominant; Neuropathy, hereditary sensory, type 2C; Intellectual disability, autosomal dominant 9. Last evaluated: 2021-12-12. Review status: criteria provided, single submitter. Criteria: ACMG Guidelines, 2015. Collection method: clinical testing. Allele origin: unknown.

Centre for Mendelian Genomics, University Medical Centre Ljubljana
Classification: Uncertain significance for Neuropathy, hereditary sensory and autonomic, type 2A. Last evaluated: 2019-01-28. Review status: criteria provided, single submitter. Criteria: ACMG Guidelines, 2015. Collection method: clinical testing. Allele origin: unknown. Affected: yes.
Comment: This variant was classified as: Uncertain significance. The available evidence on this variant's pathogenicity is insufficient or conflicting. The following ACMG criteria were applied in classifying this variant: PP2.

NM_001244008.2(KIF1A):c.3670C>T (p.Arg1224Trp)

Gene: KIF1A (kinesin family member 1A; minus strand). Cytogenetic location: 2q37.3.
Variant type: single nucleotide variant.
Coding change: c.3670C>T on transcript NM_001244008.2 (MANE Select); coding-DNA position 3670, C replaced by T.
Protein change: p.Arg1224Trp; replaces arginine 1224 with tryptophan.
Molecular consequence: missense variant.
Genome position (GRCh38, 1-based): chr2:240,741,348, G>A on the plus strand (C>T on the coding strand, the complement: KIF1A is on the minus strand). VCF-style: chr2-240741348-G-A. GRCh37 (hg19) VCF-style: chr2-241680765-G-A.
Other names: c.3394C>T, p.Arg1132Trp (NM_001320705.2, NM_001330289.2, NM_001379638.1); c.3469C>T, p.Arg1157Trp (NM_001330290.2, NM_001379634.1, NM_001379635.1 and 1 more transcripts); c.3745C>T, p.Arg1249Trp (NM_001379631.1); c.3619C>T, p.Arg1207Trp (NM_001379632.1); c.3643C>T, p.Arg1215Trp (NM_001379633.1, NM_001379642.1, NM_001379645.1); c.3367C>T, p.Arg1123Trp (NM_001379636.1, NM_001379639.1, NM_001379641.1 and 5 more transcripts); c.3442C>T, p.Arg1148Trp (NM_001379637.1, NM_001379648.1); c.3364C>T, p.Arg1122Trp (NM_001379640.1); short protein forms R1123W, R1224W, R1132W, R1157W, R1122W, R1148W, R1207W, R1215W.
Identifiers: ClinVar variation 464232 (VCV000464232.15), dbSNP rs368577433, ClinGen allele CA2207706.